The following is an entry in ClinVar:

ClinVar aggregate classification (germline): Uncertain significance. Review status: criteria provided, multiple submitters, no conflicts (2 of 4 stars). 3 submissions from 3 submitters: Uncertain significance (3). Last evaluated 2025-08-28.

Conditions:
Deafness-lymphedema-leukemia syndrome. Also called: Lymphedema, primary, with myelodysplasia; Emberger syndrome. Identifiers: Orphanet 3226, MedGen C3279664, MONDO:0013540, OMIM 614038.
Monocytopenia with susceptibility to infections. Also called: MONOCYTOPENIA AND MYCOBACTERIAL INFECTION SYNDROME; MONOCYTOPENIA WITH SUSCEPTIBILITY TO MYCOBACTERIAL, FUNGAL, AND PAPILLOMAVIRUS INFECTIONS AND MYELODYSPLASIA; COMBINED IMMUNODEFICIENCY WITH SUSCEPTIBILITY TO MYCOBACTERIAL, VIRAL, AND FUNGAL INFECTIONS; Dendritic cell, monocyte, B lymphocyte, and natural killer lymphocyte deficiency; IMMUNODEFICIENCY 21; GATA2 DEFICIENCY. Identifiers: Orphanet 228423, MedGen C3280030, MONDO:0013607, OMIM 614172.
Acute myeloid leukemia (AML). Also called: Leukemia, acute myeloid, somatic; Leukemia, acute myelogenous, somatic; Acute myeloid leukemia, adult; AML adult; Acute non-lymphocytic leukemia; Acute granulocytic leukemia. Identifiers: Orphanet 519, MedGen C0023467, MeSH D015470, MONDO:0018874, OMIM 601626, HP:0004808. Disease mechanism: Constitutively activated FLT3.
Inborn genetic diseases. Identifiers: MedGen C0950123, MeSH D030342.

gnomAD v4.1: 5 of 1,614,242 alleles (0.00031%); highest among the groups gnomAD compares: Non-Finnish European, 0.00034%; no homozygotes.

Submissions (3):

Labcorp Genetics (formerly Invitae), Labcorp
Classification: Uncertain significance for Monocytopenia with susceptibility to infections; Deafness-lymphedema-leukemia syndrome. Last evaluated: 2025-08-28. Review status: criteria provided, single submitter. Criteria: Invitae Variant Classification Sherloc (09022015). Collection method: clinical testing. Allele origin: germline.
Comment: This sequence change replaces lysine, which is basic and polar, with asparagine, which is neutral and polar, at codon 405 of the GATA2 protein (p.Lys405Asn). This variant is present in population databases (rs779797858, gnomAD 0.003%). This missense change has been observed in individual(s) with clinical features of GATA2-related conditions (PMID: 29906362, 37837580). ClinVar contains an entry for this variant (Variation ID: 1058839). Invitae Evidence Modeling of protein sequence and biophysical properties (such as structural, functional, and spatial information, amino acid conservation, physicochemical variation, residue mobility, and thermodynamic stability) indicates that this missense variant is expected to disrupt GATA2 protein function with a positive predictive value of 95%. In summary, the available evidence is currently insufficient to determine the role of this variant in disease. Therefore, it has been classified as a Variant of Uncertain Significance.

Ambry Genetics
Classification: Uncertain significance for Inborn genetic diseases. Last evaluated: 2025-03-22. Review status: criteria provided, single submitter. Criteria: Ambry Variant Classification Scheme 2023. Collection method: clinical testing. Allele origin: germline.
Comment: The p.K405N variant (also known as c.1215G>T), located in coding exon 5 of the GATA2 gene, results from a G to T substitution at nucleotide position 1215. The lysine at codon 405 is replaced by asparagine, an amino acid with similar properties. This amino acid position is highly conserved in available vertebrate species. In addition, the in silico prediction for this alteration is inconclusive. Based on the available evidence, the clinical significance of this variant remains unclear.

Baylor Genetics
Classification: Uncertain significance for Acute myeloid leukemia. Last evaluated: 2023-08-05. Review status: criteria provided, single submitter. Criteria: ACMG Guidelines, 2015. Collection method: clinical testing. Allele origin: unknown.

Literature cited by the submitters: PubMed 29906362 (cited by Labcorp Genetics (formerly Invitae), Labcorp); PubMed 37837580 (cited by Labcorp Genetics (formerly Invitae), Labcorp).

NM_032638.5(GATA2):c.1215G>T (p.Lys405Asn)

Gene: GATA2 (GATA binding protein 2; minus strand). Cytogenetic location: 3q21.3.
Variant type: single nucleotide variant.
Coding change: c.1215G>T on transcript NM_032638.5 (MANE Select); coding-DNA position 1215, G replaced by T.
Protein change: p.Lys405Asn; replaces lysine 405 with asparagine.
Molecular consequence: missense variant.
Genome position (GRCh38, 1-based): chr3:128,481,247, C>A on the plus strand (G>T on the coding strand, the complement: GATA2 is on the minus strand). VCF-style: chr3-128481247-C-A. GRCh37 (hg19) VCF-style: chr3-128200090-C-A.
Other names: c.1215G>T, p.Lys405Asn (NM_001145661.2); c.1173G>T, p.Lys391Asn (NM_001145662.1); c.1215G>T (NM_032638.4); short protein forms K391N, K405N.
Identifiers: ClinVar variation 1058839 (VCV001058839.11), dbSNP rs779797858, ClinGen allele CA2599819.
Genomic context (GRCh38, chr3:128,481,247, plus strand): 5'-TGACTTCTCCTGCATGCACTTTGACAGCTCCTCGAAGCACTCCGCCCCTTTCTTGCTCTT[C>A]TTGGACTTGTTGGACATCTTCCGGTTCCGAGTCTGGATCCCTTCCTTCTTCATGGTCAGT-3'
Protein context (NP_116027.2, residues 395-415): TRNRKMSNKS[Lys405Asn]KSKKGAECFE